The following is an entry in ClinVar:

NM_005476.7(GNE):c.982+6T>C

Gene: GNE (glucosamine (UDP-N-acetyl)-2-epimerase/N-acetylmannosamine kinase; minus strand). Cytogenetic location: 9p13.3.
Variant type: single nucleotide variant.
Coding change: c.982+6T>C on transcript NM_005476.7 (MANE Select); 6 bases into the intron after coding-DNA position 982, T replaced by C.
Molecular consequence: intron variant.
Genome position (GRCh38, 1-based): chr9:36,233,914, A>G on the plus strand (T>C on the coding strand, the complement: GNE is on the minus strand). VCF-style: chr9-36233914-A-G. GRCh37 (hg19) VCF-style: chr9-36233911-A-G.
Other names: c.805+6T>C (NM_001190388.2, NM_001374798.1); c.1075+6T>C (NM_001128227.3); c.652+6T>C (NM_001190384.3); c.829+6T>C (NM_001374797.1); c.982+6T>C (NM_001190383.3).
Identifiers: ClinVar variation 1494866 (VCV001494866.3), dbSNP rs2133067848, ClinGen allele CA2573144546.

ClinVar aggregate classification (germline): Uncertain significance (1 of 4 stars; one submission).

Conditions:
Sialuria. Also called: Sialic Acid Storage Disease; SIALURIA, FRENCH TYPE. Identifiers: Orphanet 3166, MedGen C0342853, MONDO:0010028, OMIM 269921.
GNE myopathy (NM). Also called: INCLUSION BODY MYOPATHY, HEREDITARY, AUTOSOMAL RECESSIVE; NONAKA DISTAL MYOPATHY; MYOPATHY, DISTAL, WITH OR WITHOUT RIMMED VACUOLES; INCLUSION BODY MYOPATHY 2, AUTOSOMAL RECESSIVE; IBM 2; Inclusion body myopathy autosomal recessive. Identifiers: Orphanet 602, MedGen C1853926, MONDO:0011603, OMIM 605820.

Submission:

Labcorp Genetics (formerly Invitae), Labcorp
Classification: Uncertain significance for Sialuria; GNE myopathy. Last evaluated: 2022-03-08. Review status: criteria provided, single submitter. Criteria: Invitae Variant Classification Sherloc (09022015). Collection method: clinical testing. Allele origin: germline.
Comment: This sequence change falls in intron 5 of the GNE gene. It does not directly change the encoded amino acid sequence of the GNE protein. It affects a nucleotide within the consensus splice site. This variant is not present in population databases (gnomAD no frequency). This variant has not been reported in the literature in individuals affected with GNE-related conditions. Variants that disrupt the consensus splice site are a relatively common cause of aberrant splicing (PMID: 17576681, 9536098). Algorithms developed to predict the effect of sequence changes on RNA splicing suggest that this variant is not likely to affect RNA splicing. In summary, the available evidence is currently insufficient to determine the role of this variant in disease. Therefore, it has been classified as a Variant of Uncertain Significance.

Literature cited by the submitters: PubMed 17576681; PubMed 9536098.